The following is an entry in ClinVar:

NM_006267.5(RANBP2):c.8076del (p.Ser2693fs)

Gene: RANBP2 (RAN binding protein 2; plus strand). Cytogenetic location: 2q13.
Variant type: Deletion.
Coding change: c.8076del on transcript NM_006267.5 (MANE Select); coding-DNA position 8076, one base deleted (C; older notation c.8076delC).
Protein change: p.Ser2693fs; shifts the reading frame from serine 2693.
Molecular consequence: frameshift variant.
Genome position (GRCh38, 1-based): chr2:108,772,544, C deleted. VCF-style (leftmost placement, unchanged base first): chr2-108772543-GC-G. GRCh37 (hg19) VCF-style: chr2-109388999-GC-G.
Other names: short protein forms S2693fs.
Identifiers: ClinVar variation 1301184 (VCV001301184.2), dbSNP rs1164664766, ClinGen allele CA754946600.

ClinVar aggregate classification (germline): Uncertain significance (1 of 4 stars; one submission).

Allele frequency attached by ClinVar (database versions not stated): gnomAD 0.00001; TOPMed 0.00001.

Submission:

GeneDx
Classification: Uncertain significance. Last evaluated: 2021-09-20. Review status: criteria provided, single submitter. Criteria: GeneDx Variant Classification Process June 2021. Collection method: clinical testing. Allele origin: germline. Affected: yes.
Comment: Not observed in large population cohorts (Lek et al., 2016); Frameshift variant predicted to result in protein truncation or nonsense mediated decay in a gene for which loss-of-function is not a known mechanism of disease; Has not been previously published as pathogenic or benign to our knowledge